The following is an entry in ClinVar:

NM_006885.4(ZFHX3):c.8823A>G (p.Gly2941=)

Genes: ZFHX3 (zinc finger homeobox 3; minus strand), ZFHX3-AS1 (ZFHX3 antisense RNA 1; plus strand). Cytogenetic location: 16q22.2.
Variant type: single nucleotide variant.
Coding change: c.8823A>G on transcript NM_006885.4 (MANE Select); coding-DNA position 8823, A replaced by G.
Protein change: p.Gly2941=; no amino-acid change (glycine 2941 retained).
Molecular consequence: synonymous variant.
Genome position (GRCh38, 1-based): chr16:72,793,859, T>C on the plus strand (A>G on the coding strand, the complement: ZFHX3 is on the minus strand). VCF-style: chr16-72793859-T-C. GRCh37 (hg19) VCF-style: chr16-72827758-T-C.
Other names: c.6081A>G, p.Gly2027= (NM_001164766.2); c.8823A>G, p.Gly2941= (NM_001386735.1).
Identifiers: ClinVar variation 3059241 (VCV003059241.3), dbSNP rs699444, ClinGen allele CA8162983.

ClinVar aggregate classification (germline): Benign. Review status: criteria provided, single submitter (1 of 4 stars). 2 submissions from 2 submitters: Benign (1). 1 of the submissions does not count toward it. Last evaluated 2024-11-27.

Conditions:
ZFHX3-related disorder. Also called: ZFHX3-related condition.

Allele frequency attached by ClinVar (database versions not stated): gnomAD exomes 0.84855; ExAC 0.87712; ESP Exome Variant Server 0.88158; gnomAD 0.88771; TOPMed 0.89049; 1000 Genomes Project 30x 0.92067; 1000 Genomes Project 0.92073.
gnomAD v4.1: 1,376,026 of 1,614,106 alleles (85%); highest among the groups gnomAD compares: East Asian, 100%; 588,256 homozygotes.

Submissions (2):

Blueprint Genetics
Classification: Benign. Last evaluated: 2024-11-27. Review status: criteria provided, single submitter. Criteria: ACMG Guidelines, 2015. Collection method: clinical testing. Allele origin: germline.

PreventionGenetics, part of Exact Sciences
Classification: Benign for ZFHX3-related condition. Last evaluated: 2019-10-17. Review status: no assertion criteria provided. Collection method: clinical testing. Allele origin: germline. Not counted in ClinVar's aggregate classification.
Comment: This variant is classified as benign based on ACMG/AMP sequence variant interpretation guidelines (Richards et al. 2015 PMID: 25741868, with internal and published modifications).